The following is an entry in ClinVar:

ClinVar aggregate classification (germline): Likely pathogenic (1 of 4 stars; one submission).

Conditions:
Autosomal recessive limb-girdle muscular dystrophy type 2J (LGMDR10). Also called: Limb-girdle muscular dystrophy, type 2J; MUSCULAR DYSTROPHY, LIMB-GIRDLE, AUTOSOMAL RECESSIVE 10. Identifiers: Orphanet 140922, MedGen C1837342, MONDO:0012127, OMIM 608807.
Dilated cardiomyopathy 1G (CMD1G). Identifiers: Orphanet 154, MedGen C1858763, MONDO:0011400, OMIM 604145.

Submission:

Labcorp Genetics (formerly Invitae), Labcorp
Classification: Likely pathogenic for Dilated cardiomyopathy 1G; Autosomal recessive limb-girdle muscular dystrophy type 2J. Last evaluated: 2025-07-31. Review status: criteria provided, single submitter. Criteria: Invitae Variant Classification Sherloc (09022015). Collection method: clinical testing. Allele origin: germline.
Comment: This sequence change creates a premature translational stop signal (p.Thr9678Glnfs*43) in the TTN gene. While this is not anticipated to result in nonsense mediated decay, it is expected to create a truncated TTN protein. This variant is not present in population databases (gnomAD no frequency). This variant has not been reported in the literature in individuals affected with TTN-related conditions. This variant is also known as c.29032_29041+1del. This variant is located in the I band of TTN (PMID: 25589632). Truncating variants in this region have been reported in individuals affected with autosomal recessive centronuclear myopathy (PMID: 23975875, internal data). Truncating variants in this region have also been identified in individuals affected with autosomal dominant dilated cardiomyopathy and/or cardio-related conditions (PMID: 27869827, 32964742, internal data). In summary, the currently available evidence indicates that the variant is pathogenic, but additional data are needed to prove that conclusively. Therefore, this variant has been classified as Likely Pathogenic.

Literature cited by the submitters: PubMed 25589632; PubMed 23975875; PubMed 27869827; PubMed 32964742.

NM_001267550.2(TTN):c.29032_29041+1del

Gene: TTN (titin; minus strand). Cytogenetic location: 2q31.2.
Variant type: Deletion.
Coding change: c.29032_29041+1del on transcript NM_001267550.2 (MANE Select); coding-DNA position 29032 through the canonical splice donor site of the intron after coding-DNA position 29041, 11 bases deleted (ACCATTAAAGG).
Molecular consequence: splice donor variant. On other transcripts: intron variant (3).
Genome position (GRCh38, 1-based): chr2:178,707,525-178,707,535, CCTTTAATGGT deleted on the plus strand (ACCATTAAAGG on the coding strand, the reverse complement: TTN is on the minus strand); deleting any 11 consecutive bases within chr2:178,707,525-178,707,536 gives the same sequence; the c. name uses the placement nearest the transcript's 3' end. VCF-style (leftmost placement, unchanged base first): chr2-178707524-ACCTTTAATGGT-A. GRCh37 (hg19) VCF-style: chr2-179572251-ACCTTTAATGGT-A.
Other names: c.13282+30547_13282+30557del (NM_003319.4); c.13858+30547_13858+30557del (NM_133437.4); c.13657+30547_13657+30557del (NM_133432.3); c.25300_25309+1del (NM_133378.4); c.28081_28090+1del (NM_001256850.1).
Identifiers: ClinVar variation 4792693 (VCV004792693.1).